The following is an entry in ClinVar:

NM_001903.5(CTNNA1):c.2425G>A (p.Val809Ile)

Gene: CTNNA1 (catenin alpha 1; plus strand). Cytogenetic location: 5q31.2.
Variant type: single nucleotide variant.
Coding change: c.2425G>A on transcript NM_001903.5 (MANE Select); coding-DNA position 2425, G replaced by A.
Protein change: p.Val809Ile; replaces valine 809 with isoleucine.
Molecular consequence: missense variant. On other transcripts: intron variant (1).
Genome position (GRCh38, 1-based): chr5:138,932,704, G>A. VCF-style: chr5-138932704-G-A. GRCh37 (hg19) VCF-style: chr5-138268393-G-A.
Other names: c.2425G>A, p.Val809Ile (NM_001290307.3, NM_001323982.2, NM_001323983.1 and 2 more transcripts); c.2116G>A, p.Val706Ile (NM_001290309.3); c.2056G>A, p.Val686Ile (NM_001290310.3); c.1315G>A, p.Val439Ile (NM_001290312.1, NM_001323987.1, NM_001323988.1 and 16 more transcripts); c.2332G>A, p.Val778Ile (NM_001323986.2); c.976G>A, p.Val326Ile (NM_001324006.1, NM_001324007.1, NM_001324008.1 and 2 more transcripts); c.1222G>A, p.Val408Ile (NM_001324011.1); c.1072G>A, p.Val358Ile (NM_001324012.1, NM_001324013.1); and 1 more; short protein forms V358I, V706I, V809I, V439I, V686I, V326I, V408I, V778I.
Identifiers: ClinVar variation 3270088 (VCV003270088.1).

ClinVar aggregate classification (germline): Uncertain significance (1 of 4 stars; one submission).

Conditions:
Hereditary cancer-predisposing syndrome. Also called: Tumor predisposition; Hereditary Cancer Syndrome; Hereditary neoplastic syndrome; Neoplastic Syndromes, Hereditary. Identifiers: Orphanet 140162, MedGen C0027672, MeSH D009386, MONDO:0015356.

Submission:

Ambry Genetics
Classification: Uncertain significance for Hereditary cancer-predisposing syndrome. Last evaluated: 2024-04-08. Review status: criteria provided, single submitter. Criteria: Ambry Variant Classification Scheme 2023. Collection method: clinical testing. Allele origin: germline.
Comment: The p.V809I variant (also known as c.2425G>A), located in coding exon 16 of the CTNNA1 gene, results from a G to A substitution at nucleotide position 2425. The valine at codon 809 is replaced by isoleucine, an amino acid with highly similar properties. This amino acid position is conserved. In addition, this alteration is predicted to be tolerated by in silico analysis. Based on the available evidence, the clinical significance of this variant remains unclear.